The following is an entry in ClinVar:

NM_032242.4(PLXNA1):c.4947C>T (p.Ser1649=)

Gene: PLXNA1 (plexin A1; plus strand). Cytogenetic location: 3q21.3.
Variant type: single nucleotide variant.
Coding change: c.4947C>T on transcript NM_032242.4 (MANE Select); coding-DNA position 4947, C replaced by T.
Protein change: p.Ser1649=; no amino-acid change (serine 1649 retained).
Molecular consequence: synonymous variant.
Genome position (GRCh38, 1-based): chr3:127,029,950, C>T. VCF-style: chr3-127029950-C-T. GRCh37 (hg19) VCF-style: chr3-126748793-C-T.
Identifiers: ClinVar variation 3358695 (VCV003358695.1).

ClinVar aggregate classification (germline): Likely benign (0 of 4 stars; one submission).

Conditions:
PLXNA1-related disorder. Also called: PLXNA1-related condition.

Submission:

PreventionGenetics, part of Exact Sciences
Classification: Likely benign for PLXNA1-related condition. Last evaluated: 2024-06-28. Review status: no assertion criteria provided. Collection method: clinical testing. Allele origin: germline.
Comment: This variant is classified as likely benign based on ACMG/AMP sequence variant interpretation guidelines (Richards et al. 2015 PMID: 25741868, with internal and published modifications).